The following is an entry in ClinVar:

ClinVar aggregate classification (germline): Uncertain significance (1 of 4 stars; one submission).

Allele frequency attached by ClinVar (database versions not stated): TOPMed 0.00004; ExAC 0.00011; gnomAD exomes 0.00012; 1000 Genomes Project 30x 0.00047; 1000 Genomes Project 0.00060.
gnomAD v4.1: 111 of 1,606,416 alleles (0.0069%); highest among the groups gnomAD compares: East Asian, 0.24%; no homozygotes.

Submission:

Labcorp Genetics (formerly Invitae), Labcorp
Classification: Uncertain significance. Last evaluated: 2025-08-11. Review status: criteria provided, single submitter. Criteria: Invitae Variant Classification Sherloc (09022015). Collection method: clinical testing. Allele origin: germline.
Comment: This sequence change replaces threonine, which is neutral and polar, with isoleucine, which is neutral and non-polar, at codon 1404 of the CARMIL2 protein (p.Thr1404Ile). This variant is present in population databases (rs201307895, gnomAD 0.1%). This variant has not been reported in the literature in individuals affected with CARMIL2-related conditions. ClinVar contains an entry for this variant (Variation ID: 1420080). An algorithm developed to predict the effect of missense changes on protein structure and function (PolyPhen-2) suggests that this variant is likely to be tolerated. In summary, the available evidence is currently insufficient to determine the role of this variant in disease. Therefore, it has been classified as a Variant of Uncertain Significance.

NM_001013838.3(CARMIL2):c.4211C>T (p.Thr1404Ile)

Gene: CARMIL2 (capping protein regulator and myosin 1 linker 2; plus strand). Cytogenetic location: 16q22.1.
Variant type: single nucleotide variant.
Coding change: c.4211C>T on transcript NM_001013838.3 (MANE Select); coding-DNA position 4211, C replaced by T.
Protein change: p.Thr1404Ile; replaces threonine 1404 with isoleucine.
Molecular consequence: missense variant.
Genome position (GRCh38, 1-based): chr16:67,657,421, C>T. VCF-style: chr16-67657421-C-T. GRCh37 (hg19) VCF-style: chr16-67691324-C-T.
Other names: c.4022C>T, p.Thr1341Ile (NM_001317026.3); short protein forms T1341I, T1404I.
Identifiers: ClinVar variation 1420080 (VCV001420080.7), dbSNP rs201307895, ClinGen allele CA8114301.